The following is an entry in ClinVar:

ClinVar aggregate classification (germline): Conflicting classifications of pathogenicity. Review status: criteria provided, conflicting classifications (1 of 4 stars). 7 submissions from 7 submitters: Likely pathogenic (3); Uncertain significance (1). 3 of the submissions do not count toward it. Last evaluated 2025-09-12.

Conditions:
Muscular dystrophy-dystroglycanopathy (congenital with brain and eye anomalies), type a, 11 (MDDGA11). Also called: Muscular dystrophy-dystroglycanopathy (congenital with brain and eye anomalies, type A, 11; WALKER-WARBURG SYNDROME OR MUSCLE-EYE-BRAIN DISEASE, B3GALNT2-RELATED; Congenital muscular dystrophy-dystroglycanopathy with brain and eye anomalies, type A11. Identifiers: Orphanet 588, Orphanet 899, MedGen C3554638, MONDO:0014071, OMIM 615181.

Allele frequency attached by ClinVar (database versions not stated): ExAC 0.00001; TOPMed 0.00002; 1000 Genomes Project 0.00020; gnomAD 0.00001; gnomAD exomes 0.00002; 1000 Genomes Project 30x 0.00016.
gnomAD v4.1: 37 of 1,613,980 alleles (0.0023%); highest among the groups gnomAD compares: Non-Finnish European, 0.0029%; no homozygotes.

Submissions (7):

GeneDx
Classification: Likely pathogenic. Last evaluated: 2025-09-12. Review status: criteria provided, single submitter. Criteria: GeneDx Variant Classification Process June 2021. Collection method: clinical testing. Allele origin: germline.
Comment: In silico analysis supports that this missense variant has a deleterious effect on protein structure/function; Not observed at significant frequency in large population cohorts (gnomAD); This variant is associated with the following publications: (PMID: 32906206, 29273094, 23453667, 34302356)

Revvity Omics, Revvity
Classification: Likely pathogenic for Muscular dystrophy-dystroglycanopathy (congenital with brain and eye anomalies), type a, 11. Last evaluated: 2023-01-18. Review status: criteria provided, single submitter. Criteria: ACMG Guidelines, 2015. Collection method: clinical testing. Allele origin: germline.

Labcorp Genetics (formerly Invitae), Labcorp
Classification: Uncertain significance for Muscular dystrophy-dystroglycanopathy (congenital with brain and eye anomalies), type a, 11. Last evaluated: 2020-01-25. Review status: criteria provided, single submitter. Criteria: Invitae Variant Classification Sherloc (09022015). Collection method: clinical testing. Allele origin: germline.
Comment: This sequence change replaces glycine with glutamic acid at codon 247 of the B3GALNT2 protein (p.Gly247Glu). The glycine residue is highly conserved and there is a moderate physicochemical difference between glycine and glutamic acid. This variant is present in population databases (rs367543072, ExAC 0.006%). This variant has been observed in combination with another B3GALNT2 variant in an individual affected with dystroglycanopathy (PMID: 23453667). ClinVar contains an entry for this variant (Variation ID: 41934). This variant has been reported to affect B3GALNT2 protein function (PMID: 23453667, 29273094). In summary, the available evidence is currently insufficient to determine the role of this variant in disease. Therefore, it has been classified as a Variant of Uncertain Significance.

Kasturba Medical College, Manipal, Kasturba Medical College, Manipal, Manipal Academy of Higher Education, Manipal, India
Classification: Likely pathogenic for Muscular dystrophy-dystroglycanopathy (congenital with brain and eye anomalies), type a, 11. Review status: criteria provided, single submitter. Criteria: ACMG Guidelines, 2015. Collection method: research. Allele origin: inherited. Affected: yes.

ClinVar Staff, National Center for Biotechnology Information (NCBI)
Classification: Likely pathogenic for Congenital muscular dystrophy-dystroglycanopathy with brain and eye anomalies, type A11. Last evaluated: 2013-06-27. Review status: no assertion criteria provided. Collection method: literature only. Allele origin: germline. Affected: yes. Not counted in ClinVar's aggregate classification.

OMIM
Classification: Pathogenic for MUSCULAR DYSTROPHY-DYSTROGLYCANOPATHY (CONGENITAL WITH BRAIN AND EYE ANOMALIES), TYPE A, 11. Last evaluated: 2013-03-07. Review status: no assertion criteria provided. Collection method: literature only. Allele origin: germline. Not counted in ClinVar's aggregate classification.

Leiden Muscular Dystrophy pages (B3GALNT2)
No classification provided. Review status: no classification provided. Collection method: not provided. Allele origin: germline, unknown. Not counted in ClinVar's aggregate classification.
Comment: has functional consequence

Literature cited by the submitters: PubMed 23453667 (cited by 3 submitters); PubMed 29273094 (cited by Labcorp Genetics (formerly Invitae), Labcorp).

NM_152490.5(B3GALNT2):c.740G>A (p.Gly247Glu)

Gene: B3GALNT2 (beta-1,3-N-acetylgalactosaminyltransferase 2; minus strand). Cytogenetic location: 1q42.3.
Variant type: single nucleotide variant.
Coding change: c.740G>A on transcript NM_152490.5 (MANE Select); coding-DNA position 740, G replaced by A.
Protein change: p.Gly247Glu; replaces glycine 247 with glutamic acid.
Molecular consequence: missense variant.
Genome position (GRCh38, 1-based): chr1:235,470,872, C>T on the plus strand (G>A on the coding strand, the complement: B3GALNT2 is on the minus strand). VCF-style: chr1-235470872-C-T. GRCh37 (hg19) VCF-style: chr1-235634186-C-T.
Other names: B3GALNT2, GLY247GLU; c.740G>A (NM_152490.2); c.863G>A, p.Gly288Glu (NM_001277155.3); short protein forms G247E, G288E.
Identifiers: ClinVar variation 41934 (VCV000041934.18), dbSNP rs367543072, ClinGen allele CA231750.